The following is an entry in ClinVar:

ClinVar aggregate classification (germline): Likely benign (1 of 4 stars; one submission).

Allele frequency attached by ClinVar (database versions not stated): TOPMed below 0.00001; gnomAD 0.00001; ExAC 0.00007.
gnomAD v4.1: 39 of 1,613,816 alleles (0.0024%); highest among the groups gnomAD compares: Middle Eastern, 0.049%; no homozygotes.

Submission:

CeGaT Center for Human Genetics Tuebingen
Classification: Likely benign. Last evaluated: 2022-05-01. Review status: criteria provided, single submitter. Criteria: CeGaT Center For Human Genetics Tuebingen Variant Classification Criteria Version 2. Collection method: clinical testing. Allele origin: germline. Affected: yes. Observed: 1 variant allele.
Comment: EIF3B: BP4, BP7

NM_001037283.2(EIF3B):c.1818C>T (p.Phe606=)

Gene: EIF3B (eukaryotic translation initiation factor 3 subunit B; plus strand). Cytogenetic location: 7p22.3.
Variant type: single nucleotide variant.
Coding change: c.1818C>T on transcript NM_001037283.2 (MANE Select); coding-DNA position 1818, C replaced by T.
Protein change: p.Phe606=; no amino-acid change (phenylalanine 606 retained).
Molecular consequence: synonymous variant.
Genome position (GRCh38, 1-based): chr7:2,374,535, C>T. VCF-style: chr7-2374535-C-T. GRCh37 (hg19) VCF-style: chr7-2414170-C-T.
Other names: c.1818C>T, p.Phe606= (NM_001362791.2, NM_003751.4); c.1002C>T, p.Phe334= (NM_001362792.2, NM_001362793.2).
Identifiers: ClinVar variation 2657230 (VCV002657230.24), dbSNP rs748044149, ClinGen allele CA4125736.